The following is an entry in ClinVar:

NM_014159.7(SETD2):c.2272G>C (p.Asp758His)

Gene: SETD2 (SET domain containing 2, histone lysine methyltransferase; minus strand). Cytogenetic location: 3p21.31.
Variant type: single nucleotide variant.
Coding change: c.2272G>C on transcript NM_014159.7 (MANE Select); coding-DNA position 2272, G replaced by C.
Protein change: p.Asp758His; replaces aspartic acid 758 with histidine.
Molecular consequence: missense variant. On other transcripts: non-coding transcript variant (1).
Genome position (GRCh38, 1-based): chr3:47,122,364, C>G on the plus strand (G>C on the coding strand, the complement: SETD2 is on the minus strand). VCF-style: chr3-47122364-C-G. GRCh37 (hg19) VCF-style: chr3-47163854-C-G.
Other names: c.2140G>C, p.Asp714His (NM_001349370.3); short protein forms D758H, D714H.
Identifiers: ClinVar variation 2872954 (VCV002872954.5), dbSNP rs778626356, ClinGen allele CA352527071.

ClinVar aggregate classification (germline): Uncertain significance. Review status: criteria provided, multiple submitters, no conflicts (2 of 4 stars). 2 submissions from 2 submitters: Uncertain significance (2). Last evaluated 2025-08-15.

Conditions:
Luscan-Lumish syndrome. Identifiers: Orphanet 597738, MedGen C4085873, MONDO:0014791, OMIM 616831.

gnomAD v4.1: 2 of 1,614,130 alleles (0.00012%); highest among the groups gnomAD compares: Middle Eastern, 0.016%; no homozygotes.

Submissions (2):

Dasa
Classification: Uncertain significance. Last evaluated: 2025-08-15. Review status: criteria provided, single submitter. Criteria: DASA Assertion Criteria. Collection method: clinical testing. Allele origin: germline.
Comment: NM_014159.7(SETD2):c.2272G>C (p.Asp758His) is a missense variant that results in the substitution of aspartic acid with histidine. This variant is rare in population databases. Computational prediction algorithms are consistent with a benign effect. The currently available literature and clinical evidence are not sufficient to establish a definitive association between this variant and the reported condition. Therefore, this variant is classified as a variant of uncertain significance.

Labcorp Genetics (formerly Invitae), Labcorp
Classification: Uncertain significance for Luscan-Lumish syndrome. Last evaluated: 2023-07-07. Review status: criteria provided, single submitter. Criteria: Invitae Variant Classification Sherloc (09022015). Collection method: clinical testing. Allele origin: germline.
Comment: In summary, the available evidence is currently insufficient to determine the role of this variant in disease. Therefore, it has been classified as a Variant of Uncertain Significance. Advanced modeling of protein sequence and biophysical properties (such as structural, functional, and spatial information, amino acid conservation, physicochemical variation, residue mobility, and thermodynamic stability) performed at Invitae indicates that this missense variant is not expected to disrupt SETD2 protein function. This variant has not been reported in the literature in individuals affected with SETD2-related conditions. This variant is not present in population databases (gnomAD no frequency). This sequence change replaces aspartic acid, which is acidic and polar, with histidine, which is basic and polar, at codon 758 of the SETD2 protein (p.Asp758His).